The following is an entry in ClinVar:

NM_001379610.1(SPINK1):c.83G>A (p.Arg28Lys)

Gene: SPINK1 (serine peptidase inhibitor Kazal type 1; minus strand). Cytogenetic location: 5q32.
Variant type: single nucleotide variant.
Coding change: c.83G>A on transcript NM_001379610.1 (MANE Select); coding-DNA position 83, G replaced by A.
Protein change: p.Arg28Lys; replaces arginine 28 with lysine.
Molecular consequence: missense variant.
Genome position (GRCh38, 1-based): chr5:147,829,603, C>T on the plus strand (G>A on the coding strand, the complement: SPINK1 is on the minus strand). VCF-style: chr5-147829603-C-T. GRCh37 (hg19) VCF-style: chr5-147209166-C-T.
Other names: c.83G>A, p.Arg28Lys (NM_001354966.2, NM_003122.5); short protein forms R28K.
Identifiers: ClinVar variation 1763243 (VCV001763243.6), dbSNP rs1007831681, ClinGen allele CA129690185.
Genomic context (GRCh38, chr5:147,829,603, plus strand): 5'-TTGTTGGATCAAACTGTTCCAGTCTGAGAAATAAGAAATTACAAATATCTCTTTACCTCT[C>T]TTCCCAGGGAGTCAGCTCCAGTGTTACCTAGAAATAAATCAGATATGGTAAGTTGGGTCC-3'
Protein context (NP_001366539.1, residues 18-38): SGNTGADSLG[Arg28Lys]EAKCYNELNG

ClinVar aggregate classification (germline): Conflicting classifications of pathogenicity. Review status: criteria provided, conflicting classifications (1 of 4 stars). 3 submissions from 3 submitters: Uncertain significance (2); Likely benign (1). Last evaluated 2025-01-23.

Conditions:
Hereditary pancreatitis (PCTT). Also called: PRSS1-Related Hereditary Pancreatitis; Hereditary chronic pancreatitis. Identifiers: Orphanet 676, MedGen C0238339, MONDO:0008185, OMIM 167800.

Allele frequency attached by ClinVar (database versions not stated): gnomAD exomes below 0.00001; TOPMed 0.00002; gnomAD 0.00003.
gnomAD v4.1: 5 of 1,612,648 alleles (0.00031%); highest among the groups gnomAD compares: African/African-American, 0.0013%; no homozygotes.

Submissions (3):

Labcorp Genetics (formerly Invitae), Labcorp
Classification: Uncertain significance for Hereditary pancreatitis. Last evaluated: 2025-01-23. Review status: criteria provided, single submitter. Criteria: Invitae Variant Classification Sherloc (09022015). Collection method: clinical testing. Allele origin: germline.
Comment: This sequence change replaces arginine, which is basic and polar, with lysine, which is basic and polar, at codon 28 of the SPINK1 protein (p.Arg28Lys). This variant is present in population databases (no rsID available, gnomAD 0.002%). This variant has not been reported in the literature in individuals affected with SPINK1-related conditions. ClinVar contains an entry for this variant (Variation ID: 1763243). An algorithm developed to predict the effect of missense changes on protein structure and function outputs the following: PolyPhen-2: "Possibly Damaging". The lysine amino acid residue is found in multiple mammalian species, which suggests that this missense change does not adversely affect protein function. In summary, the available evidence is currently insufficient to determine the role of this variant in disease. Therefore, it has been classified as a Variant of Uncertain Significance.

Ambry Genetics
Classification: Likely benign for Hereditary pancreatitis. Last evaluated: 2024-12-18. Review status: criteria provided, single submitter. Criteria: Ambry Variant Classification Scheme 2023. Collection method: clinical testing. Allele origin: germline.

ARUP Laboratories, Molecular Genetics and Genomics, ARUP Laboratories
Classification: Uncertain significance. Last evaluated: 2023-12-19. Review status: criteria provided, single submitter. Criteria: ARUP Molecular Germline Variant Investigation Process 2024. Collection method: clinical testing. Allele origin: germline.
Comment: The SPINK1 c.83G>A; p.Arg28Lys variant (rs1007831681), to our knowledge, is not reported in the medical literature but is reported in ClinVar (Variation ID: 1763243). This variant is only found on two alleles in the Genome Aggregation Database (v2.1.1), indicating it is not a common polymorphism. Computational analyses predict that this variant is neutral (REVEL: 0.092). Due to limited information, the clinical significance of this variant is uncertain at this time.